The following is an entry in ClinVar:

ClinVar aggregate classification (germline): Uncertain significance (1 of 4 stars; one submission).

Allele frequency attached by ClinVar (database versions not stated): gnomAD exomes below 0.00001; TOPMed 0.00002.
gnomAD v4.1: 5 of 1,610,476 alleles (0.00031%); highest among the groups gnomAD compares: Non-Finnish European, 0.00042%; no homozygotes.

Submission:

Labcorp Genetics (formerly Invitae), Labcorp
Classification: Uncertain significance. Last evaluated: 2020-08-25. Review status: criteria provided, single submitter. Criteria: Invitae Variant Classification Sherloc (09022015). Collection method: clinical testing. Allele origin: germline.
Comment: This sequence change replaces histidine with arginine at codon 776 of the PLK4 protein (p.His776Arg). The histidine residue is highly conserved and there is a small physicochemical difference between histidine and arginine. This variant is not present in population databases (ExAC no frequency). This variant has not been reported in the literature in individuals with PLK4-related conditions. Algorithms developed to predict the effect of missense changes on protein structure and function are either unavailable or do not agree on the potential impact of this missense change (SIFT: "Tolerated"; PolyPhen-2: "Possibly Damaging"; Align-GVGD: "Class C0"). In summary, the available evidence is currently insufficient to determine the role of this variant in disease. Therefore, it has been classified as a Variant of Uncertain Significance.

NM_014264.5(PLK4):c.2327A>G (p.His776Arg)

Gene: PLK4 (polo like kinase 4; plus strand). Cytogenetic location: 4q28.1.
Variant type: single nucleotide variant.
Coding change: c.2327A>G on transcript NM_014264.5 (MANE Select); coding-DNA position 2327, A replaced by G.
Protein change: p.His776Arg; replaces histidine 776 with arginine.
Molecular consequence: missense variant.
Genome position (GRCh38, 1-based): chr4:127,893,517, A>G. VCF-style: chr4-127893517-A-G. GRCh37 (hg19) VCF-style: chr4-128814672-A-G.
Other names: c.2231A>G, p.His744Arg (NM_001190799.2); c.2204A>G, p.His735Arg (NM_001190801.2); short protein forms H735R, H744R, H776R.
Identifiers: ClinVar variation 1020151 (VCV001020151.5), dbSNP rs978094883, ClinGen allele CA105641647.
Genomic context (GRCh38, chr4:127,893,517, plus strand): 5'-ATGATTGCAAATGACATAGGTGAAACAATGACAGAAGCACTCTTCTTTTGAAATAGGGTC[A>G]TCGTATTTGTTTAGCACTGGAATCCATAATTTCAGAAGAGGAAAGGAAAACTAGGAGTGC-3'
Protein context (NP_055079.3, residues 766-786): KMYMDHANEG[His776Arg]RICLALESII